The following is an entry in ClinVar:

NC_000002.11:g.(?_44116924)_(44119873_?)del

Gene: LRPPRC (leucine rich pentatricopeptide repeat containing; minus strand). Cytogenetic location: 2p21.
Variant type: Deletion.
Identifiers: ClinVar variation 1346214 (VCV001346214.4).

ClinVar aggregate classification (germline): Likely pathogenic (1 of 4 stars; one submission).

Submission:

Labcorp Genetics (formerly Invitae), Labcorp
Classification: Likely pathogenic. Last evaluated: 2021-01-26. Review status: criteria provided, single submitter. Criteria: Invitae Variant Classification Sherloc (09022015). Collection method: clinical testing. Allele origin: germline.
Comment: In summary, the currently available evidence indicates that the variant is pathogenic, but additional data are needed to prove that conclusively. Therefore, this variant has been classified as Likely Pathogenic. This variant has not been reported in the literature in individuals with LRPPRC-related conditions. This variant results in the deletion of part of exon 7 (c.3985+1811_4077delinsA) of the LRPPRC gene of the LRPPRC gene. It is expected to disrupt RNA splicing. Variants that disrupt the donor or acceptor splice site typically lead to a loss of protein function (PMID: 16199547), and loss-of-function variants in LRPPRC are known to be pathogenic (PMID: 26510951).

Literature cited by the submitters: PubMed 16199547; PubMed 26510951.